The following is an entry in ClinVar:

NM_003924.4(PHOX2B):c.866G>A (p.Gly289Asp)

Gene: PHOX2B (paired like homeobox 2B; minus strand). Cytogenetic location: 4p13.
Variant type: single nucleotide variant.
Coding change: c.866G>A on transcript NM_003924.4 (MANE Select); coding-DNA position 866, G replaced by A.
Protein change: p.Gly289Asp; replaces glycine 289 with aspartic acid.
Molecular consequence: missense variant.
Genome position (GRCh38, 1-based): chr4:41,745,886, C>T on the plus strand (G>A on the coding strand, the complement: PHOX2B is on the minus strand). VCF-style: chr4-41745886-C-T. GRCh37 (hg19) VCF-style: chr4-41747903-C-T.
Other names: c.866G>A (NM_003924.3); short protein forms G289D.
Identifiers: ClinVar variation 1474885 (VCV001474885.9), dbSNP rs2153112739, ClinGen allele CA356736936.
Genomic context (GRCh38, chr4:41,745,886, plus strand): 5'-ACTAAGGCGGCTTTGGCACCGTTGGGTCTTTGGAGCGAAGATAGGACGCTGGCGAAGGGA[C>T]CCCCAAGCGAATCCGGGATGGAGGTGATGGGGCCGGGGCCGGGAGCCCAGCCTTGTCCAG-3'
Protein context (NP_003915.2, residues 279-299): PITSIPDSLG[Gly289Asp]PFASVLSSLQ

ClinVar aggregate classification (germline): Uncertain significance. Review status: criteria provided, multiple submitters, no conflicts (2 of 4 stars). 2 submissions from 2 submitters: Uncertain significance (2). Last evaluated 2025-09-04.

Conditions:
Hereditary cancer-predisposing syndrome. Also called: Neoplastic Syndromes, Hereditary; Hereditary Cancer Syndrome; Tumor predisposition; Hereditary neoplastic syndrome. Identifiers: Orphanet 140162, MedGen C0027672, MeSH D009386, MONDO:0015356.
Haddad syndrome (OHD). Also called: Ondine-Hirschsprung disease. Identifiers: Orphanet 99803, MedGen C1859049, MONDO:0020493.

Submissions (2):

Ambry Genetics
Classification: Uncertain significance for Hereditary cancer-predisposing syndrome. Last evaluated: 2025-09-04. Review status: criteria provided, single submitter. Criteria: Ambry Variant Classification Scheme 2023. Collection method: clinical testing. Allele origin: germline.
Comment: The p.G289D variant (also known as c.866G>A), located in coding exon 3 of the PHOX2B gene, results from a G to A substitution at nucleotide position 866. The glycine at codon 289 is replaced by aspartic acid, an amino acid with similar properties. This amino acid position is conserved. In addition, this alteration is predicted to be deleterious by in silico analysis. Based on the available evidence, the clinical significance of this variant remains unclear.

Labcorp Genetics (formerly Invitae), Labcorp
Classification: Uncertain significance for Haddad syndrome. Last evaluated: 2021-08-26. Review status: criteria provided, single submitter. Criteria: Invitae Variant Classification Sherloc (09022015). Collection method: clinical testing. Allele origin: germline.
Comment: In summary, the available evidence is currently insufficient to determine the role of this variant in disease. Therefore, it has been classified as a Variant of Uncertain Significance. Algorithms developed to predict the effect of missense changes on protein structure and function are either unavailable or do not agree on the potential impact of this missense change (SIFT: "Deleterious"; PolyPhen-2: "Not Available"; Align-GVGD: "Class C0"). This variant has not been reported in the literature in individuals with PHOX2B-related conditions. This variant is not present in population databases (ExAC no frequency). This sequence change replaces glycine with aspartic acid at codon 289 of the PHOX2B protein (p.Gly289Asp). The glycine residue is highly conserved and there is a moderate physicochemical difference between glycine and aspartic acid.